The following is an entry in ClinVar:

ClinVar aggregate classification (germline): Uncertain significance (1 of 4 stars; one submission).

Submission:

GeneDx
Classification: Uncertain significance. Last evaluated: 2024-12-20. Review status: criteria provided, single submitter. Criteria: GeneDx Variant Classification Process June 2021. Collection method: clinical testing. Allele origin: germline. Affected: yes.
Comment: Not observed at significant frequency in large population cohorts (gnomAD); In silico analysis supports that this missense variant has a deleterious effect on protein structure/function; Has not been previously published as pathogenic or benign to our knowledge

NM_001330288.2(SMARCC2):c.998A>T (p.Glu333Val)

Gene: SMARCC2 (SWI/SNF related BAF chromatin remodeling complex subunit C2; minus strand). Cytogenetic location: 12q13.2.
Variant type: single nucleotide variant.
Coding change: c.998A>T on transcript NM_001330288.2 (MANE Select); coding-DNA position 998, A replaced by T.
Protein change: p.Glu333Val; replaces glutamic acid 333 with valine.
Molecular consequence: missense variant.
Genome position (GRCh38, 1-based): chr12:56,181,060, T>A on the plus strand (A>T on the coding strand, the complement: SMARCC2 is on the minus strand). VCF-style: chr12-56181060-T-A. GRCh37 (hg19) VCF-style: chr12-56574844-T-A.
Other names: c.998A>T, p.Glu333Val (NM_001130420.3, NM_003075.5, NM_139067.4); short protein forms E333V.
Identifiers: ClinVar variation 3906280 (VCV003906280.1).